The following is an entry in ClinVar:

ClinVar aggregate classification (germline): Pathogenic (1 of 4 stars; one submission).

Submission:

GeneDx
Classification: Pathogenic. Last evaluated: 2019-10-14. Review status: criteria provided, single submitter. Criteria: GeneDx Variant Classification Process June 2021. Collection method: clinical testing. Allele origin: germline. Affected: yes.
Comment: Frameshift variant predicted to result in protein truncation or nonsense mediated decay in a gene for which loss-of-function is a known mechanism of disease; Not observed in large population cohorts (Lek et al., 2016); This variant is associated with the following publications: (PMID: 15009222, 18711109)

NM_005097.4(LGI1):c.329del (p.Ala110fs)

Gene: LGI1 (leucine rich glioma inactivated 1; plus strand). Cytogenetic location: 10q23.33.
Variant type: Deletion.
Coding change: c.329del on transcript NM_005097.4 (MANE Select); coding-DNA position 329, one base deleted (C; older notation c.329delC).
Protein change: p.Ala110fs; shifts the reading frame from alanine 110.
Molecular consequence: frameshift variant. On other transcripts: intron variant (1).
Genome position (GRCh38, 1-based): chr10:93,777,420, C deleted. VCF-style (leftmost placement, unchanged base first): chr10-93777419-GC-G. GRCh37 (hg19) VCF-style: chr10-95537176-GC-G.
Other names: c.329del, p.Ala110fs (NM_001308275.2); c.288-12679del (NM_001308276.2); short protein forms A110fs.
Identifiers: ClinVar variation 1202118 (VCV001202118.3), dbSNP rs2134001099, ClinGen allele CA923726070.
Genomic context (GRCh38, chr10:93,777,419, plus strand): 5'-TGTGTACTTTTTCTGGGCAGGTTATTCACATCGAACTCCTTTGATGTGATCAGTGATGAT[GC>G]TTTTATTGGTCTTCCACATCTAGAGTATTTGTAAGTAAAAAAGCTTTTTTAAAACATGAT-3'